The following is an entry in ClinVar:

ClinVar aggregate classification (germline): Uncertain significance. Review status: criteria provided, multiple submitters, no conflicts (2 of 4 stars). 2 submissions from 2 submitters: Uncertain significance (2). Last evaluated 2022-11-08.

Conditions:
Hereditary sensory neuropathy-deafness-dementia syndrome. Also called: Hereditary sensory neuropathy type IE; HSN IE; NEUROPATHY, HEREDITARY SENSORY, WITH HEARING LOSS AND DEMENTIA; Hereditary Sensory and Autonomic Neuropathy Type 1E (HSAN1E). Identifiers: Orphanet 456318, MedGen C3279885, MONDO:0013584, OMIM 614116.

Submissions (2):

Labcorp Genetics (formerly Invitae), Labcorp
Classification: Uncertain significance for Hereditary sensory neuropathy-deafness-dementia syndrome. Last evaluated: 2022-11-08. Review status: criteria provided, single submitter. Criteria: Invitae Variant Classification Sherloc (09022015). Collection method: clinical testing. Allele origin: germline.
Comment: This sequence change replaces proline, which is neutral and non-polar, with serine, which is neutral and polar, at codon 153 of the DNMT1 protein (p.Pro153Ser). This variant is not present in population databases (gnomAD no frequency). This variant has not been reported in the literature in individuals affected with DNMT1-related conditions. Algorithms developed to predict the effect of missense changes on protein structure and function (SIFT, PolyPhen-2, Align-GVGD) all suggest that this variant is likely to be tolerated. In summary, the available evidence is currently insufficient to determine the role of this variant in disease. Therefore, it has been classified as a Variant of Uncertain Significance.

Breakthrough Genomics
Classification: Uncertain significance. Review status: criteria provided, single submitter. Criteria: ACMG Guidelines, 2015. Collection method: not provided. Allele origin: germline. Inheritance: Autosomal dominant inheritance. Affected: yes.

NM_001130823.3(DNMT1):c.457C>T (p.Pro153Ser)

Gene: DNMT1 (DNA methyltransferase 1; minus strand). Cytogenetic location: 19p13.2.
Variant type: single nucleotide variant.
Coding change: c.457C>T on transcript NM_001130823.3 (MANE Select); coding-DNA position 457, C replaced by T.
Protein change: p.Pro153Ser; replaces proline 153 with serine.
Molecular consequence: missense variant. On other transcripts: intron variant (2).
Genome position (GRCh38, 1-based): chr19:10,180,223, G>A on the plus strand (C>T on the coding strand, the complement: DNMT1 is on the minus strand). VCF-style: chr19-10180223-G-A. GRCh37 (hg19) VCF-style: chr19-10290899-G-A.
Other names: c.94C>T, p.Pro32Ser (NM_001318731.2); c.445+127C>T (NM_001379.4, NM_001318730.2); short protein forms P153S, P32S.
Identifiers: ClinVar variation 2785519 (VCV002785519.4), dbSNP rs2145377973, ClinGen allele CA403945958.
Genomic context (GRCh38, chr19:10,180,223, plus strand): 5'-TTAGCTGGGTGTGGTGGCACATACCTCTAATCCCAGTTACTTGGGAGGCTGAGGCAGGAG[G>A]GTCTCTTGAACCTGGGAGGCAGAGGTTACAGTGAGCCGAGGTTACACCACTGTGCTCCAG-3'
Protein context (NP_001124295.1, residues 143-163): SDGEAKRSRD[Pro153Ser]PASASQVTGI